The following is an entry in ClinVar:

NM_001330677.2(TBX15):c.1742C>T (p.Thr581Ile)

Gene: TBX15 (T-box transcription factor 15; minus strand). Cytogenetic location: 1p12.
Variant type: single nucleotide variant.
Coding change: c.1742C>T on transcript NM_001330677.2 (MANE Select); coding-DNA position 1742, C replaced by T.
Protein change: p.Thr581Ile; replaces threonine 581 with isoleucine.
Molecular consequence: missense variant.
Genome position (GRCh38, 1-based): chr1:118,884,799, G>A on the plus strand (C>T on the coding strand, the complement: TBX15 is on the minus strand). VCF-style: chr1-118884799-G-A. GRCh37 (hg19) VCF-style: chr1-119427422-G-A.
Other names: c.1424C>T, p.Thr475Ile (NM_152380.3); short protein forms T475I, T581I.
Identifiers: ClinVar variation 1905772 (VCV001905772.5), dbSNP rs2525938177, ClinGen allele CA341431857.
Genomic context (GRCh38, chr1:118,884,799, plus strand): 5'-ATGTGCACGGACATCTGGGAGGAGGAGCCTGGAACTGCCCCATACTGCCGGCCATCACAA[G>A]TGTTGGTTGCCTGTTGGTTATTGGGTGAAGGGCTAATCATGTGCATGCTGTGCTCCATCC-3'
Protein context (NP_001317606.1, residues 571-591): PSPNNQQATN[Thr581Ile]CDGRQYGAVP

ClinVar aggregate classification (germline): Uncertain significance (1 of 4 stars; one submission).

Submission:

Labcorp Genetics (formerly Invitae), Labcorp
Classification: Uncertain significance. Last evaluated: 2022-06-07. Review status: criteria provided, single submitter. Criteria: Invitae Variant Classification Sherloc (09022015). Collection method: clinical testing. Allele origin: germline.
Comment: This sequence change replaces threonine, which is neutral and polar, with isoleucine, which is neutral and non-polar, at codon 475 of the TBX15 protein (p.Thr475Ile). This variant is not present in population databases (gnomAD no frequency). This variant has not been reported in the literature in individuals affected with TBX15-related conditions. Algorithms developed to predict the effect of missense changes on protein structure and function are either unavailable or do not agree on the potential impact of this missense change (SIFT: "Deleterious"; PolyPhen-2: "Benign"; Align-GVGD: "Class C0"). In summary, the available evidence is currently insufficient to determine the role of this variant in disease. Therefore, it has been classified as a Variant of Uncertain Significance.